The following is an entry in ClinVar:

ClinVar aggregate classification (germline): Benign/Likely benign. Review status: criteria provided, multiple submitters, no conflicts (2 of 4 stars). 3 submissions from 3 submitters: Benign (1); Likely benign (2). Last evaluated 2024-11-26.

Submissions (3):

Blueprint Genetics
Classification: Likely benign. Last evaluated: 2024-11-26. Review status: criteria provided, single submitter. Criteria: ACMG Guidelines, 2015. Collection method: clinical testing. Allele origin: germline.

Mayo Clinic Laboratories, Mayo Clinic
Classification: Benign. Last evaluated: 2024-08-08. Review status: criteria provided, single submitter. Criteria: ACMG Guidelines, 2015. Collection method: clinical testing. Allele origin: germline. Observed: 56 variant alleles.
Comment: BA1, BP4, BP7

GeneDx
Classification: Likely benign. Last evaluated: 2021-12-21. Review status: criteria provided, single submitter. Criteria: GeneDx Variant Classification Process June 2021. Collection method: clinical testing. Allele origin: germline. Affected: yes.
Comment: See Variant Classification Assertion Criteria.

NM_004453.4(ETFDH):c.832-3del

Gene: ETFDH (electron transfer flavoprotein dehydrogenase; plus strand). Cytogenetic location: 4q32.1.
Variant type: Deletion.
Coding change: c.832-3del on transcript NM_004453.4 (MANE Select); 3 bases into the intron before coding-DNA position 832, one base deleted (T; older notation c.832-3delT).
Molecular consequence: intron variant.
Genome position (GRCh38, 1-based): chr4:158,697,556, T deleted; the last of 13 consecutive T bases (chr4:158,697,544-158,697,556); deleting any one gives the same sequence. VCF-style (leftmost placement, unchanged base first): chr4-158697543-CT-C. GRCh37 (hg19) VCF-style: chr4-159618695-CT-C.
Other names: p.?; c.691-3del (NM_001281737.2); c.649-3del (NM_001281738.1).
Identifiers: ClinVar variation 1693054 (VCV001693054.4), dbSNP rs376153836, ClinGen allele CA3122472.
Genomic context (GRCh38, chr4:158,697,543, plus strand): 5'-GTTTTATGCATTGTGGTGACATAAAAACATTTTTAAAATACTGCAGGACTTTTTTGTTTG[CT>C]TTTTTTTTTTTTAGTTATGGGTTATTGATGAAAAGAACTGGAAACCTGGGAGAGTAGATC-3'